The following is an entry in ClinVar:

NM_004446.3(EPRS1):c.3318_3329del (p.Arg1106_Thr1110delinsSer)

Gene: EPRS1 (glutamyl-prolyl-tRNA synthetase 1; minus strand). Cytogenetic location: 1q41.
Variant type: Deletion.
Coding change: c.3318_3329del on transcript NM_004446.3 (MANE Select); coding-DNA positions 3318 to 3329, 12 bases deleted (ATCTGGCAAAAC).
Protein change: p.Arg1106_Thr1110delinsSer.
Molecular consequence: inframe indel.
Genome position (GRCh38, 1-based): chr1:219,982,816-219,982,827, GTTTTGCCAGAT deleted on the plus strand (ATCTGGCAAAAC on the coding strand, the reverse complement: EPRS1 is on the minus strand). VCF-style (leftmost placement, unchanged base first): chr1-219982815-GGTTTTGCCAGAT-G. GRCh37 (hg19) VCF-style: chr1-220156157-GGTTTTGCCAGAT-G.
Identifiers: ClinVar variation 2697532 (VCV002697532.3), dbSNP rs2527967289, ClinGen allele CA2697554909.

ClinVar aggregate classification (germline): Uncertain significance (1 of 4 stars; one submission).

Submission:

Labcorp Genetics (formerly Invitae), Labcorp
Classification: Uncertain significance. Last evaluated: 2023-11-19. Review status: criteria provided, single submitter. Criteria: Invitae Variant Classification Sherloc (09022015). Collection method: clinical testing. Allele origin: germline.
Comment: This variant, c.3318_3329del, is a complex sequence change that results in the deletion of 5 and insertion of 1 amino acid(s) in the EPRS protein (p.Arg1106_Thr1110delinsSer). This variant is not present in population databases (gnomAD no frequency). This variant has not been reported in the literature in individuals affected with EPRS-related conditions. Experimental studies and prediction algorithms are not available or were not evaluated, and the functional significance of this variant is currently unknown. In summary, the available evidence is currently insufficient to determine the role of this variant in disease. Therefore, it has been classified as a Variant of Uncertain Significance.